The following is an entry in ClinVar:

ClinVar aggregate classification (germline): Uncertain significance (1 of 4 stars; one submission).

gnomAD v4.1: 1 of 1,609,600 alleles (0.000062%); highest among the groups gnomAD compares: Non-Finnish European, 0.000085%; no homozygotes.

Submission:

Women's Health and Genetics/Laboratory Corporation of America, LabCorp
Classification: Uncertain significance. Last evaluated: 2016-03-29. Review status: criteria provided, single submitter. Criteria: LabCorp Variant Classification Summary - May 2015. Collection method: clinical testing. Allele origin: germline.
Comment: Variant summary: The c.689+3A>C variant in CFTR gene is an intronic change that alters a conserved nucleotide. 5/5 in silico tools via Alamut predict this variant to affect a normal splicing pattern, however, these predictions have yet to be confirmed by in vitro/in vivo functional studies. Another variant at this position, c.689+3A>T, that was identified in CF pt and pt, presented with hypochloraemic alkalosis, displayed similar in silico pattern and was shown to lead to alternative splicing and complete skipping of exon 7. The variant is absent from the large control population dataset of ExAC (0/~114434 chromosomes). Taken together, the variant was classified as VUS-possibly pathogenic and reported by Integrated Genetics as "likely clinically significant" until new information becomes available.

NM_000492.4(CFTR):c.869+3A>C

Gene: CFTR (CF transmembrane conductance regulator; plus strand). Cytogenetic location: 7q31.2.
Variant type: single nucleotide variant.
Coding change: c.869+3A>C on transcript NM_000492.4 (MANE Select); 3 bases into the intron after coding-DNA position 869, A replaced by C.
Molecular consequence: intron variant.
Genome position (GRCh38, 1-based): chr7:117,536,676, A>C. VCF-style: chr7-117536676-A-C. GRCh37 (hg19) VCF-style: chr7-117176730-A-C.
Identifiers: ClinVar variation 495961 (VCV000495961.1), dbSNP rs1554380828, ClinGen allele CA658683493.